The following is an entry in ClinVar:

ClinVar aggregate classification (germline): Uncertain significance (1 of 4 stars; one submission).

Submission:

Women's Health and Genetics/Laboratory Corporation of America, LabCorp
Classification: Uncertain significance. Last evaluated: 2025-01-15. Review status: criteria provided, single submitter. Criteria: LabCorp Variant Classification Summary - May 2015. Collection method: clinical testing. Allele origin: germline.
Comment: Variant summary: FAM111A c.1504C>T (p.Gln502X) results in a premature termination codon, predicted to cause a truncation of the encoded protein, however current evidence is not sufficient to establish loss of function as a mechanism for disease. The variant was absent in 251256 control chromosomes. The available data on variant occurrences in the general population are insufficient to allow any conclusion about variant significance. To our knowledge, no occurrence of c.1504C>T in individuals affected with Autosomal Dominant Kenny-Caffey Syndrome and no experimental evidence demonstrating its impact on protein function have been reported. No submitters have cited clinical-significance assessments for this variant to ClinVar. Based on the evidence outlined above, the variant was classified as uncertain significance.

NM_001312909.2(FAM111A):c.1504C>T (p.Gln502Ter)

Gene: FAM111A (FAM111 trypsin like peptidase A; plus strand). Cytogenetic location: 11q12.1.
Variant type: single nucleotide variant.
Coding change: c.1504C>T on transcript NM_001312909.2 (MANE Select); coding-DNA position 1504, C replaced by T.
Protein change: p.Gln502Ter; replaces glutamine 502 with a stop codon.
Molecular consequence: nonsense.
Genome position (GRCh38, 1-based): chr11:59,153,172, C>T. VCF-style: chr11-59153172-C-T. GRCh37 (hg19) VCF-style: chr11-58920645-C-T.
Other names: c.1504C>T, p.Gln502Ter (NM_001142519.3, NM_001142520.3, NM_001142521.3 and 29 more transcripts); short protein forms Q502*.
Identifiers: ClinVar variation 3769076 (VCV003769076.2).